The following is an entry in ClinVar:

NM_003060.4(SLC22A5):c.493G>C (p.Asp165His)

Gene: SLC22A5 (solute carrier family 22 member 5; plus strand). Cytogenetic location: 5q31.1.
Variant type: single nucleotide variant.
Coding change: c.493G>C on transcript NM_003060.4 (MANE Select); coding-DNA position 493, G replaced by C.
Protein change: p.Asp165His; replaces aspartic acid 165 with histidine.
Molecular consequence: missense variant.
Genome position (GRCh38, 1-based): chr5:132,378,477, G>C. VCF-style: chr5-132378477-G-C. GRCh37 (hg19) VCF-style: chr5-131714169-G-C.
Other names: c.565G>C, p.Asp189His (NM_001308122.2); short protein forms D165H, D189H.
Identifiers: ClinVar variation 4847090 (VCV004847090.1).

ClinVar aggregate classification (germline): Uncertain significance (1 of 4 stars; one submission).

Submission:

Women's Health and Genetics/Laboratory Corporation of America, LabCorp
Classification: Uncertain significance. Last evaluated: 2026-03-19. Review status: criteria provided, single submitter. Criteria: LabCorp Variant Classification Summary - May 2015. Collection method: clinical testing. Allele origin: germline.
Comment: Variant summary: SLC22A5 c.493G>C (p.Asp165His) results in a non-conservative amino acid change in the encoded protein sequence. Algorithms developed to predict the effect of missense changes on protein structure and function all suggest that this variant is likely to be disruptive. The variant was absent in 251486 control chromosomes. The available data on variant occurrences in the general population are insufficient to allow any conclusion about variant significance. To our knowledge, no occurrence of c.493G>C in individuals affected with SLC22A5-related conditions and no experimental evidence demonstrating its impact on protein function have been reported. No submitters have cited clinical-significance assessments for this variant to ClinVar. Based on the evidence outlined above, the variant was classified as uncertain significance.